The following is an entry in ClinVar:

NM_005026.5(PIK3CD):c.322C>T (p.Arg108Cys)

Gene: PIK3CD (phosphatidylinositol-4,5-bisphosphate 3-kinase catalytic subunit delta; plus strand). Cytogenetic location: 1p36.22.
Variant type: single nucleotide variant.
Coding change: c.322C>T on transcript NM_005026.5 (MANE Select); coding-DNA position 322, C replaced by T.
Protein change: p.Arg108Cys; replaces arginine 108 with cysteine.
Molecular consequence: missense variant.
Genome position (GRCh38, 1-based): chr1:9,715,721, C>T. VCF-style: chr1-9715721-C-T. GRCh37 (hg19) VCF-style: chr1-9775779-C-T.
Other names: NM_005026.5(PIK3CD):c.322C>T; p.Arg108Cys; c.322C>T, p.Arg108Cys (NM_001350234.2, NM_001350235.1); short protein forms R108C.
Identifiers: ClinVar variation 1338106 (VCV001338106.9), dbSNP rs1205317546, ClinGen allele CA338300341.

ClinVar aggregate classification (germline): Uncertain significance. Review status: reviewed by expert panel (3 of 4 stars). 3 submissions from 3 submitters: Uncertain significance (1). 2 of the submissions do not count toward it. Last evaluated 2025-12-19.

Conditions:
Immunodeficiency 14 (IMD14A). Also called: ACTIVATED PI3K-DELTA SYNDROME 1; Activated PI3K Delta Syndrome Type 1 (APDS1); p110-DELTA-ACTIVATING MUTATION CAUSING SENESCENT T CELLS, LYMPHADENOPATHY, AND IMMUNODEFICIENCY; IMMUNODEFICIENCY 14A WITH LYMPHOPROLIFERATION, AUTOSOMAL DOMINANT. Identifiers: Orphanet 397596, Orphanet 693661, MedGen C5907821, MONDO:0014222, OMIM 615513.

Allele frequency attached by ClinVar (database versions not stated): gnomAD exomes below 0.00001; gnomAD 0.00001; TOPMed 0.00001.
gnomAD v4.1: 5 of 1,613,398 alleles (0.00031%); highest among the groups gnomAD compares: South Asian, 0.0011%; no homozygotes.

Submissions (3):

ClinGen Primary Immune Regulatory Disorders Variant Curation Expert Panel, ClinGen
Classification: Uncertain significance for Immunodeficiency 14. Last evaluated: 2025-12-19. Review status: reviewed by expert panel. Criteria: ClinGen AbDef ACMG Specifications PIK3CD V1.0.0. Collection method: curation. Allele origin: germline. Inheritance: Autosomal dominant inheritance.
Comment: NM_005026.5(PIK3CD):c.322C>T (p.Arg108Cys) is a missense variant that causes substitution of arginine by cysteine at amino acid 108. Another missense variant in the same codon, NM_005026.5(PIK3CD):c.323G>T (p.Arg108Leu), has been reported in association with autosomal dominant immunodeficiency 14 (PMID: 39714594) but has been classified as a VUS by the ClinGen Antibody Deficiencies VCEP, so PM5_Supporting is not met. This variant is present in gnomAD v4.1.0 at a total combined allele frequency of 0.000003099, with 5 alleles / 1,613,398 total alleles across all populations of gnomAD, which is higher than the ClinGen Antibody Deficiencies VCEP PM2_Supporting threshold of <0.00000132. This variant is present in gnomAD v4.1.0 at a GrpMax allele frequency of 0.00000079, with 4 alleles / 1,180,026 total alleles in the European (non-Finnish) population, which is lower than the ClinGen Antibody Deficiencies VCEP BS1 threshold of >0.000316, so no population code is met. The computational predictor REVEL gives a score of 0.298, which is below the ClinGen Antibody Deficiencies VCEP threshold of >0.644 and does not predict a damaging effect on PIK3CD function. The computational predictor CADD gives a PHRED score of 24.4, which is below the ClinGen Antibody Deficiencies VCEP threshold of >25.3 and does not predict a deleterious effect on PIK3CD function. Because the two predictors do not agree on a damaging effect, PP3 is not met. In summary, this variant meets the criteria to be classified as a variant of uncertain significance for autosomal dominant immunodeficiency 14 based on the ACMG/AMP criteria applied, as specified by the ClinGen Antibody Deficiencies VCEP: None. (VCEP specifications version 1.0.0).

Labcorp Genetics (formerly Invitae), Labcorp
Classification: Uncertain significance for Activated PI3K-delta syndrome. Last evaluated: 2022-03-13. Review status: criteria provided, single submitter. Criteria: Invitae Variant Classification Sherloc (09022015). Collection method: clinical testing. Allele origin: germline. Not counted in ClinVar's aggregate classification.
Comment: This sequence change replaces arginine, which is basic and polar, with cysteine, which is neutral and slightly polar, at codon 108 of the PIK3CD protein (p.Arg108Cys). This variant is present in population databases (no rsID available, gnomAD 0.0009%). This variant has not been reported in the literature in individuals affected with PIK3CD-related conditions. Algorithms developed to predict the effect of missense changes on protein structure and function are either unavailable or do not agree on the potential impact of this missense change (SIFT: "Deleterious"; PolyPhen-2: "Probably Damaging"; Align-GVGD: "Class C0"). In summary, the available evidence is currently insufficient to determine the role of this variant in disease. Therefore, it has been classified as a Variant of Uncertain Significance.

Genetic Services Laboratory, University of Chicago
Classification: Uncertain significance. Last evaluated: 2021-10-07. Review status: criteria provided, single submitter. Criteria: ACMG Guidelines, 2015. Collection method: clinical testing. Allele origin: germline. Affected: no. Not counted in ClinVar's aggregate classification.